The following is an entry in ClinVar:

NM_206933.4(USH2A):c.3371A>C (p.Tyr1124Ser)

Genes: USH2A (usherin; minus strand), USH2A-AS1 (USH2A antisense RNA 1; plus strand). Cytogenetic location: 1q41.
Variant type: single nucleotide variant.
Coding change: c.3371A>C on transcript NM_206933.4 (MANE Select); coding-DNA position 3371, A replaced by C.
Protein change: p.Tyr1124Ser; replaces tyrosine 1124 with serine.
Molecular consequence: missense variant.
Genome position (GRCh38, 1-based): chr1:216,200,067, T>G on the plus strand (A>C on the coding strand, the complement: USH2A is on the minus strand). VCF-style: chr1-216200067-T-G. GRCh37 (hg19) VCF-style: chr1-216373409-T-G.
Other names: c.3371A>C, p.Tyr1124Ser (NM_007123.6); short protein forms Y1124S.
Identifiers: ClinVar variation 4534349 (VCV004534349.6).

ClinVar aggregate classification (germline): Uncertain significance (1 of 4 stars; one submission).

gnomAD v4.1: 1 of 1,613,572 alleles (0.000062%); highest among the groups gnomAD compares: Non-Finnish European, 0.000085%; no homozygotes.

Submission:

CeGaT Center for Human Genetics Tuebingen
Classification: Uncertain significance. Last evaluated: 2025-10-01. Review status: criteria provided, single submitter. Criteria: CeGaT Center For Human Genetics Tuebingen Variant Classification Criteria Version 2. Collection method: clinical testing. Allele origin: germline. Affected: yes. Observed: 1 variant allele.
Comment: USH2A: PM2, BP4